The following is an entry in ClinVar:

NM_144596.4(TTC8):c.325G>A (p.Val109Ile)

Gene: TTC8 (tetratricopeptide repeat domain 8; plus strand). Cytogenetic location: 14q31.3.
Variant type: single nucleotide variant.
Coding change: c.325G>A on transcript NM_144596.4 (MANE Select); coding-DNA position 325, G replaced by A.
Protein change: p.Val109Ile; replaces valine 109 with isoleucine.
Molecular consequence: missense variant. On other transcripts: 5 prime UTR variant (2), non-coding transcript variant (1).
Genome position (GRCh38, 1-based): chr14:88,840,924, G>A. VCF-style: chr14-88840924-G-A. GRCh37 (hg19) VCF-style: chr14-89307268-G-A.
Other names: c.295G>A, p.Val99Ile (NM_001288781.1, NM_001366535.2, NM_001366536.2 and 2 more transcripts); c.-268G>A (NM_001288782.1); c.-363G>A (NM_001288783.1); short protein forms V109I, V99I.
Identifiers: ClinVar variation 1054604 (VCV001054604.10), dbSNP rs150067562, ClinGen allele CA7302425.

ClinVar aggregate classification (germline): Uncertain significance. Review status: criteria provided, multiple submitters, no conflicts (2 of 4 stars). 2 submissions from 2 submitters: Uncertain significance (2). Last evaluated 2025-02-27.

Conditions:
Bardet-Biedl syndrome (BBS). Identifiers: Orphanet 110, MedGen C0752166, MONDO:0015229.

Allele frequency attached by ClinVar (database versions not stated): ExAC 0.00002; gnomAD exomes 0.00002; 1000 Genomes Project 30x 0.00016; 1000 Genomes Project 0.00020.
gnomAD v4.1: 24 of 1,614,122 alleles (0.0015%); highest among the groups gnomAD compares: Middle Eastern, 0.016%; no homozygotes.

Submissions (2):

Labcorp Genetics (formerly Invitae), Labcorp
Classification: Uncertain significance for Bardet-Biedl syndrome. Last evaluated: 2025-02-27. Review status: criteria provided, single submitter. Criteria: Invitae Variant Classification Sherloc (09022015). Collection method: clinical testing. Allele origin: germline.
Comment: This sequence change replaces valine, which is neutral and non-polar, with isoleucine, which is neutral and non-polar, at codon 99 of the TTC8 protein (p.Val99Ile). This variant is present in population databases (rs150067562, gnomAD 0.004%). This variant has not been reported in the literature in individuals affected with TTC8-related conditions. ClinVar contains an entry for this variant (Variation ID: 1054604). Invitae Evidence Modeling of protein sequence and biophysical properties (such as structural, functional, and spatial information, amino acid conservation, physicochemical variation, residue mobility, and thermodynamic stability) indicates that this missense variant is not expected to disrupt TTC8 protein function with a negative predictive value of 80%. In summary, the available evidence is currently insufficient to determine the role of this variant in disease. Therefore, it has been classified as a Variant of Uncertain Significance.

Blueprint Genetics
Classification: Uncertain significance. Last evaluated: 2023-05-31. Review status: criteria provided, single submitter. Criteria: ACMG Guidelines, 2015. Collection method: clinical testing. Allele origin: germline.